The following is an entry in ClinVar:

NM_002971.6(SATB1):c.1064G>T (p.Arg355Ile)

Gene: SATB1 (SATB homeobox 1; minus strand). Cytogenetic location: 3p24.3.
Variant type: single nucleotide variant.
Coding change: c.1064G>T on transcript NM_002971.6 (MANE Select); coding-DNA position 1064, G replaced by T.
Protein change: p.Arg355Ile; replaces arginine 355 with isoleucine.
Molecular consequence: missense variant.
Genome position (GRCh38, 1-based): chr3:18,394,604, C>A on the plus strand (G>T on the coding strand, the complement: SATB1 is on the minus strand). VCF-style: chr3-18394604-C-A. GRCh37 (hg19) VCF-style: chr3-18436096-C-A.
Other names: c.1064G>T, p.Arg355Ile (NM_001131010.4, NM_001195470.3, NM_001322871.2 and 4 more transcripts); c.848G>T, p.Arg283Ile (NM_001322876.2); short protein forms R283I, R355I.
Identifiers: ClinVar variation 4975346 (VCV004975346.1).

ClinVar aggregate classification (germline): Uncertain significance (1 of 4 stars; one submission).

Submission:

GeneDx
Classification: Uncertain significance. Last evaluated: 2026-01-25. Review status: criteria provided, single submitter. Criteria: GeneDx Variant Classification Process June 2021. Collection method: clinical testing. Allele origin: germline.
Comment: Not observed at significant frequency in large population cohorts (gnomAD); In silico analysis supports that this missense variant has a deleterious effect on protein structure/function; Has not been previously published as pathogenic or benign to our knowledge